The following is an entry in ClinVar:

NM_000057.4(BLM):c.1553C>T (p.Ser518Phe)

Gene: BLM (BLM RecQ like helicase; plus strand). Cytogenetic location: 15q26.1.
Variant type: single nucleotide variant.
Coding change: c.1553C>T on transcript NM_000057.4 (MANE Select); coding-DNA position 1553, C replaced by T.
Protein change: p.Ser518Phe; replaces serine 518 with phenylalanine.
Molecular consequence: missense variant.
Genome position (GRCh38, 1-based): chr15:90,760,926, C>T. VCF-style: chr15-90760926-C-T. GRCh37 (hg19) VCF-style: chr15-91304156-C-T.
Other names: c.1553C>T, p.Ser518Phe (NM_001287246.2, NM_001287247.2); c.428C>T, p.Ser143Phe (NM_001287248.2); short protein forms S143F, S518F.
Identifiers: ClinVar variation 641990 (VCV000641990.7), dbSNP rs1596230143, ClinGen allele CA393843313.

ClinVar aggregate classification (germline): Uncertain significance (1 of 4 stars; one submission).

Conditions:
Bloom syndrome (BLM). Also called: Bloom-Torre-Machacek syndrome. Identifiers: Orphanet 125, MedGen C0005859, MONDO:0008876, OMIM 210900.

Allele frequency attached by ClinVar (database versions not stated): gnomAD exomes below 0.00001.
gnomAD v4.1: 1 of 1,614,002 alleles (0.000062%); highest among the groups gnomAD compares: Non-Finnish European, 0.000085%; no homozygotes.

Submission:

Labcorp Genetics (formerly Invitae), Labcorp
Classification: Uncertain significance for Bloom syndrome. Last evaluated: 2025-02-28. Review status: criteria provided, single submitter. Criteria: Invitae Variant Classification Sherloc (09022015). Collection method: clinical testing. Allele origin: germline.
Comment: This sequence change replaces serine, which is neutral and polar, with phenylalanine, which is neutral and non-polar, at codon 518 of the BLM protein (p.Ser518Phe). This variant is not present in population databases (gnomAD no frequency). This variant has not been reported in the literature in individuals affected with BLM-related conditions. ClinVar contains an entry for this variant (Variation ID: 641990). Invitae Evidence Modeling of protein sequence and biophysical properties (such as structural, functional, and spatial information, amino acid conservation, physicochemical variation, residue mobility, and thermodynamic stability) indicates that this missense variant is not expected to disrupt BLM protein function with a negative predictive value of 80%. In summary, the available evidence is currently insufficient to determine the role of this variant in disease. Therefore, it has been classified as a Variant of Uncertain Significance.